The following is an entry in ClinVar:

NM_006421.5(ARFGEF1):c.2282A>G (p.Glu761Gly)

Gene: ARFGEF1 (ARF guanine nucleotide exchange factor 1; minus strand). Cytogenetic location: 8q13.2.
Variant type: single nucleotide variant.
Coding change: c.2282A>G on transcript NM_006421.5 (MANE Select); coding-DNA position 2282, A replaced by G.
Protein change: p.Glu761Gly; replaces glutamic acid 761 with glycine.
Molecular consequence: missense variant. On other transcripts: non-coding transcript variant (1).
Genome position (GRCh38, 1-based): chr8:67,258,244, T>C on the plus strand (A>G on the coding strand, the complement: ARFGEF1 is on the minus strand). VCF-style: chr8-67258244-T-C. GRCh37 (hg19) VCF-style: chr8-68170479-T-C.
Other names: c.2282A>G, p.Glu761Gly (NM_001413184.1, NM_001413185.1, NM_001413186.1 and 7 more transcripts); c.1682A>G, p.Glu561Gly (NM_001413188.1, NM_001413193.1, NM_001413197.1); c.857A>G, p.Glu286Gly (NM_001413196.1); short protein forms E286G, E561G, E761G.
Identifiers: ClinVar variation 4881385 (VCV004881385.2).

ClinVar aggregate classification (germline): Uncertain significance (1 of 4 stars; one submission).

gnomAD v4.1: 1 of 1,610,354 alleles (0.000062%); highest among the groups gnomAD compares: Non-Finnish European, 0.000085%; no homozygotes.

Submission:

Dasa
Classification: Uncertain significance. Last evaluated: 2026-03-21. Review status: criteria provided, single submitter. Criteria: DASA Assertion Criteria. Collection method: clinical testing. Allele origin: germline.
Comment: NM_006421.5(ARFGEF1):c.2282A>G (p.Glu761Gly) is a missense variant that results in the substitution of glutamic acid with glycine. This variant is rare in population databases. The currently available literature and clinical evidence are not sufficient to establish a definitive association between this variant and the reported condition. Therefore, this variant is classified as a variant of uncertain significance.